The following is an entry in ClinVar:

ClinVar aggregate classification (germline): Conflicting classifications of pathogenicity. Review status: criteria provided, conflicting classifications (1 of 4 stars). 4 submissions from 4 submitters: Uncertain significance (1); Likely benign (3). Last evaluated 2024-10-16.

Conditions:
Hereditary cancer-predisposing syndrome. Also called: Hereditary Cancer Syndrome; Neoplastic Syndromes, Hereditary; Tumor predisposition; Hereditary neoplastic syndrome. Identifiers: Orphanet 140162, MedGen C0027672, MeSH D009386, MONDO:0015356.
Familial cancer of breast. Also called: BREAST CANCER, FAMILIAL; Hereditary breast cancer; hereditary breast carcinoma. Identifiers: Orphanet 227535, MedGen C0346153, MONDO:0016419, OMIM 114480. Disease mechanism: loss of function.
Ataxia-telangiectasia syndrome (AT). Also called: Cerebello-oculocutaneous telangiectasia; Immunodeficiency with ataxia telangiectasia; Ataxia-telangiectasia, complementation group E; Ataxia-telangiectasia, complementation group D; AT, COMPLEMENTATION GROUP C; ATAXIA-TELANGIECTASIA, COMPLEMENTATION GROUP A. Identifiers: Orphanet 100, MedGen C0004135, MONDO:0008840, OMIM 208900.

Submissions (4):

Labcorp Genetics (formerly Invitae), Labcorp
Classification: Likely benign for Ataxia-telangiectasia syndrome. Last evaluated: 2024-10-16. Review status: criteria provided, single submitter. Criteria: Invitae Variant Classification Sherloc (09022015). Collection method: clinical testing. Allele origin: germline.

Myriad Genetics, Inc.
Classification: Likely benign for Familial cancer of breast. Last evaluated: 2024-05-28. Review status: criteria provided, single submitter. Criteria: Myriad Autosomal Dominant, Autosomal Recessive and X-Linked Classification Criteria (2023). Collection method: clinical testing. Allele origin: unknown.
Comment: This variant is considered likely benign. This variant is intronic and is not expected to impact mRNA splicing.

GeneDx
Classification: Uncertain significance. Last evaluated: 2022-01-14. Review status: criteria provided, single submitter. Criteria: GeneDx Variant Classification Process June 2021. Collection method: clinical testing. Allele origin: germline. Affected: yes.
Comment: Not observed at significant frequency in large population cohorts (gnomAD); In silico analysis supports a deleterious effect on splicing; Has not been previously published as pathogenic or benign to our knowledge

Color Diagnostics, LLC DBA Color Health
Classification: Likely benign for Hereditary cancer-predisposing syndrome. Last evaluated: 2020-08-25. Review status: criteria provided, single submitter. Criteria: ACMG Guidelines, 2015. Collection method: clinical testing. Allele origin: germline.

NM_000051.4(ATM):c.5919-13T>C

Genes: C11orf65 (chromosome 11 open reading frame 65; minus strand), ATM (ATM serine/threonine kinase; plus strand). Cytogenetic location: 11q22.3.
Variant type: single nucleotide variant.
Coding change: c.5919-13T>C on transcript NM_000051.4 (MANE Select); 13 bases into the intron before coding-DNA position 5919, T replaced by C.
Molecular consequence: intron variant.
Genome position (GRCh38, 1-based): chr11:108,312,398, T>C. VCF-style: chr11-108312398-T-C. GRCh37 (hg19) VCF-style: chr11-108183125-T-C.
Other names: c.5919-13T>C (NM_001351834.2); c.641-3327A>G (NM_001330368.2); c.*39-3327A>G (NM_001351110.2).
Identifiers: ClinVar variation 507721 (VCV000507721.15), dbSNP rs1555111740, ClinGen allele CA658797761.